The following is an entry in ClinVar:

ClinVar aggregate classification (germline): Conflicting classifications of pathogenicity. Review status: criteria provided, conflicting classifications (1 of 4 stars). 2 submissions from 2 submitters: Likely pathogenic (1); Uncertain significance (1). Last evaluated 2026-04-07.

Conditions:
HSD10 mitochondrial disease (HSD10MD). Also called: 2-methyl-3-hydroxybutyric aciduria; HSD10 deficiency; 3H2MBD deficiency; 3-hydroxy-2-methylbutyryl-CoA dehydrogenase deficiency; 2M3HBA; Chorioathetosis with Mental Retardation and Abnormal Behavior. Identifiers: Orphanet 391417, Orphanet 85295, MedGen C3266731, MONDO:0010327, OMIM 300438. Disease mechanism: loss of function.

Submissions (2):

Department of Human Genetics, Hannover Medical School
Classification: Likely pathogenic for HSD10 mitochondrial disease. Last evaluated: 2026-04-07. Review status: criteria provided, single submitter. Criteria: ACMG Guidelines, 2015. Collection method: clinical testing. Allele origin: germline. Affected: yes.
Comment: PM2_Supporting, PP3_Intermediate (+3 points PMID: 40084623), PP4_Moderate (Acylcarnitine profile in dried blood shows elevated C5:1 levels, with additional increase of tiglylglycine in urine)

GeneDx
Classification: Uncertain significance. Last evaluated: 2025-07-31. Review status: criteria provided, single submitter. Criteria: GeneDx Variant Classification Process June 2021. Collection method: clinical testing. Allele origin: germline. Affected: yes.
Comment: Not observed at significant frequency in large population cohorts (gnomAD); In silico analysis supports that this missense variant has a deleterious effect on protein structure/function; Has not been previously published as pathogenic or benign to our knowledge

NM_004493.3(HSD17B10):c.502T>C (p.Tyr168His)

Gene: HSD17B10 (hydroxysteroid 17-beta dehydrogenase 10; minus strand). Cytogenetic location: Xp11.22.
Variant type: single nucleotide variant.
Coding change: c.502T>C on transcript NM_004493.3 (MANE Select); coding-DNA position 502, T replaced by C.
Protein change: p.Tyr168His; replaces tyrosine 168 with histidine.
Molecular consequence: missense variant.
Genome position (GRCh38, 1-based): chrX:53,431,891, A>G on the plus strand (T>C on the coding strand, the complement: HSD17B10 is on the minus strand). VCF-style: chrX-53431891-A-G. GRCh37 (hg19) VCF-style: chrX-53458839-A-G.
Other names: c.502T>C, p.Tyr168His (NM_001037811.2); short protein forms Y168H.
Identifiers: ClinVar variation 4690186 (VCV004690186.2).